The following is an entry in ClinVar:

ClinVar aggregate classification (germline): Uncertain significance (1 of 4 stars; one submission).

Conditions:
Inborn genetic diseases. Identifiers: MedGen C0950123, MeSH D030342.

Allele frequency attached by ClinVar (database versions not stated): gnomAD exomes below 0.00001.
gnomAD v4.1: 6 of 1,210,532 alleles (0.0005%); highest among the groups gnomAD compares: East Asian, 0.003%; no homozygotes.

Submission:

Ambry Genetics
Classification: Uncertain significance for Inborn genetic diseases. Last evaluated: 2021-01-06. Review status: criteria provided, single submitter. Criteria: Ambry Variant Classification Scheme 2023. Collection method: clinical testing. Allele origin: germline.
Comment: The p.S284C variant (also known as c.851C>G), located in coding exon 8 of the UBA1 gene, results from a C to G substitution at nucleotide position 851. The serine at codon 284 is replaced by cysteine, an amino acid with dissimilar properties. Based on data from gnomAD, the G allele has an overall frequency of 0.0006% (1/180,047) total alleles studied, with 0 hemizygotes observed. The highest observed frequency was 0.0012% (1/80,162) of European (non-Finnish) alleles. This amino acid position is well conserved in available vertebrate species. In addition, this alteration is predicted to be tolerated by in silico analysis. Since supporting evidence is limited at this time, the clinical significance of this alteration remains unclear.

NM_003334.4(UBA1):c.851C>G (p.Ser284Cys)

Gene: UBA1 (ubiquitin like modifier activating enzyme 1; plus strand). Cytogenetic location: Xp11.3.
Variant type: single nucleotide variant.
Coding change: c.851C>G on transcript NM_003334.4 (MANE Select); coding-DNA position 851, C replaced by G.
Protein change: p.Ser284Cys; replaces serine 284 with cysteine.
Molecular consequence: missense variant.
Genome position (GRCh38, 1-based): chrX:47,202,195, C>G. VCF-style: chrX-47202195-C-G. GRCh37 (hg19) VCF-style: chrX-47061594-C-G.
Other names: c.851C>G, p.Ser284Cys (NM_153280.3); short protein forms S284C.
Identifiers: ClinVar variation 1763709 (VCV001763709.2), dbSNP rs1376020653, ClinGen allele CA412794605.